The following is an entry in ClinVar:

NM_001374504.1(TMPRSS6):c.1768C>T (p.Arg590Ter)

Gene: TMPRSS6 (transmembrane serine protease 6; minus strand). Cytogenetic location: 22q12.3.
Variant type: single nucleotide variant.
Coding change: c.1768C>T on transcript NM_001374504.1 (MANE Select); coding-DNA position 1768, C replaced by T.
Protein change: p.Arg590Ter; replaces arginine 590 with a stop codon.
Molecular consequence: nonsense.
Genome position (GRCh38, 1-based): chr22:37,070,557, G>A on the plus strand (C>T on the coding strand, the complement: TMPRSS6 is on the minus strand). VCF-style: chr22-37070557-G-A. GRCh37 (hg19) VCF-style: chr22-37466597-G-A.
Other names: R599*; p.Arg599*; c.1795C>T (NM_153609.3); c.1768C>T, p.Arg590Ter (NM_001289000.2, NM_001289001.2, NM_153609.4); short protein forms R590*.
Identifiers: ClinVar variation 1408 (VCV000001408.10), dbSNP rs137853123, ClinGen allele CA114995.
Genomic context (GRCh38, chr22:37,070,557, plus strand): 5'-AGCAGTGGGCAGCTGTTATCACCCAGCGGTCAGCGATGAGGGCCCCCCCACAGATGTGTC[G>A]ACCCCGAACCTGGAGGCTGGCCTGCCATGGCCACTCACCCTCGGAGGACACAGCTCCACC-3'

ClinVar aggregate classification (germline): Pathogenic/Likely pathogenic. Review status: criteria provided, multiple submitters, no conflicts (2 of 4 stars). 6 submissions from 6 submitters: Pathogenic (3); Likely pathogenic (1). 2 of the submissions do not count toward it. Last evaluated 2025-10-06.

Conditions:
TMPRSS6-related disorder. Also called: TMPRSS6-related condition.
Iron-refractory iron deficiency anemia (IRIDA). Also called: ANEMIA, HYPOCHROMIC MICROCYTIC, WITH DEFECT IN IRON METABOLISM; PSEUDO-IRON-DEFICIENCY ANEMIA; IRIDA syndrome; IRON-HANDLING DISORDER, HEREDITARY. Identifiers: Orphanet 209981, MedGen C0085576, MONDO:0008788, OMIM 206200. Disease mechanism: loss of function.
Microcytic anemia. Identifiers: MedGen C5194182, MONDO:0001245, HP:0001935. Disease mechanism: loss of function.

Allele frequency attached by ClinVar (database versions not stated): gnomAD 0.00001; TOPMed 0.00002; gnomAD exomes 0.00005; ExAC 0.00008.
gnomAD v4.1: 73 of 1,613,162 alleles (0.0045%); highest among the groups gnomAD compares: Non-Finnish European, 0.0054%; no homozygotes.

Submissions (6):

Labcorp Genetics (formerly Invitae), Labcorp
Classification: Pathogenic. Last evaluated: 2025-10-06. Review status: criteria provided, single submitter. Criteria: Invitae Variant Classification Sherloc (09022015). Collection method: clinical testing. Allele origin: germline.
Comment: This sequence change creates a premature translational stop signal (p.Arg599*) in the TMPRSS6 gene. It is expected to result in an absent or disrupted protein product. Loss-of-function variants in TMPRSS6 are known to be pathogenic (PMID: 20232450, 25156943). This variant is present in population databases (rs137853123, gnomAD 0.02%). This premature translational stop signal has been observed in individual(s) with TMPRSS6-related conditions (PMID: 18596229, 32581362). ClinVar contains an entry for this variant (Variation ID: 1408). Algorithms developed to predict the effect of sequence changes on RNA splicing suggest that this variant may disrupt the consensus splice site. For these reasons, this variant has been classified as Pathogenic.

GeneDx
Classification: Likely pathogenic. Last evaluated: 2024-12-09. Review status: criteria provided, single submitter. Criteria: GeneDx Variant Classification Process June 2021. Collection method: clinical testing. Allele origin: germline. Affected: yes.
Comment: Nonsense variant predicted to result in protein truncation or nonsense mediated decay in a gene for which loss of function is a known mechanism of disease; This variant is associated with the following publications: (PMID: 25525159, 32581362, 25156943, 19377077, 29895660, 18596229, 24382527, 21783390)

Blueprint Genetics
Classification: Pathogenic for TMPRSS6-related disorders. Last evaluated: 2024-09-20. Review status: criteria provided, single submitter. Criteria: ACMG Guidelines, 2015. Collection method: clinical testing. Allele origin: germline. Affected: yes. Observed: 5 variant alleles.

Mayo Clinic Laboratories, Mayo Clinic
Classification: Pathogenic. Last evaluated: 2024-04-08. Review status: criteria provided, single submitter. Criteria: ACMG Guidelines, 2015. Collection method: clinical testing. Allele origin: germline. Observed: 1 variant allele.
Comment: PM2_moderate, PM3, PVS1

OMIM
Classification: Pathogenic for IRON-REFRACTORY IRON DEFICIENCY ANEMIA. Last evaluated: 2008-09-01. Review status: no assertion criteria provided. Collection method: literature only. Allele origin: germline. Not counted in ClinVar's aggregate classification.

NIHR Bioresource Rare Diseases, University of Cambridge
Classification: Likely pathogenic for Iron-refractory iron deficiency anemia. Review status: no assertion criteria provided. Collection method: research. Allele origin: unknown. Affected: yes. Observed: 1 variant allele. Not counted in ClinVar's aggregate classification.

Literature cited by the submitters: PubMed 20232450 (cited by Labcorp Genetics (formerly Invitae), Labcorp); PubMed 25156943 (cited by Labcorp Genetics (formerly Invitae), Labcorp); PubMed 18596229 (cited by 3 submitters); PubMed 32581362 (cited by 3 submitters); PubMed 21783390 (cited by Mayo Clinic Laboratories, Mayo Clinic); PubMed 24382527 (cited by Mayo Clinic Laboratories, Mayo Clinic); PubMed 25525159 (cited by Mayo Clinic Laboratories, Mayo Clinic); PubMed 29895660 (cited by Mayo Clinic Laboratories, Mayo Clinic).